The following is an entry in ClinVar:

NM_001854.4(COL11A1):c.1409A>T (p.Asp470Val)

Gene: COL11A1 (collagen type XI alpha 1 chain; minus strand). Cytogenetic location: 1p21.1.
Variant type: single nucleotide variant.
Coding change: c.1409A>T on transcript NM_001854.4 (MANE Select); coding-DNA position 1409, A replaced by T.
Protein change: p.Asp470Val; replaces aspartic acid 470 with valine.
Molecular consequence: missense variant. On other transcripts: non-coding transcript variant (1).
Genome position (GRCh38, 1-based): chr1:103,017,824, T>A on the plus strand (A>T on the coding strand, the complement: COL11A1 is on the minus strand). VCF-style: chr1-103017824-T-A. GRCh37 (hg19) VCF-style: chr1-103483380-T-A.
Other names: c.1061A>T, p.Asp354Val (NM_001168249.1, NM_080630.4); c.1292A>T, p.Asp431Val (NM_001190709.2); c.1445A>T, p.Asp482Val (NM_080629.3); short protein forms D470V, D482V, D431V, D354V.
Identifiers: ClinVar variation 2074590 (VCV002074590.4), dbSNP rs1557950785, ClinGen allele CA341179615.

ClinVar aggregate classification (germline): Uncertain significance (1 of 4 stars; one submission).

Submission:

Labcorp Genetics (formerly Invitae), Labcorp
Classification: Uncertain significance. Last evaluated: 2023-11-27. Review status: criteria provided, single submitter. Criteria: Invitae Variant Classification Sherloc (09022015). Collection method: clinical testing. Allele origin: germline.
Comment: This sequence change replaces aspartic acid, which is acidic and polar, with valine, which is neutral and non-polar, at codon 470 of the COL11A1 protein (p.Asp470Val). This variant is not present in population databases (gnomAD no frequency). This variant has not been reported in the literature in individuals affected with COL11A1-related conditions. ClinVar contains an entry for this variant (Variation ID: 2074590). Advanced modeling of protein sequence and biophysical properties (such as structural, functional, and spatial information, amino acid conservation, physicochemical variation, residue mobility, and thermodynamic stability) performed at Invitae indicates that this missense variant is not expected to disrupt COL11A1 protein function with a negative predictive value of 80%. In summary, the available evidence is currently insufficient to determine the role of this variant in disease. Therefore, it has been classified as a Variant of Uncertain Significance.